The following is an entry in ClinVar:

NM_025114.4(CEP290):c.835G>A (p.Asp279Asn)

Gene: CEP290 (centrosomal protein 290; minus strand). Cytogenetic location: 12q21.32.
Variant type: single nucleotide variant.
Coding change: c.835G>A on transcript NM_025114.4 (MANE Select); coding-DNA position 835, G replaced by A.
Protein change: p.Asp279Asn; replaces aspartic acid 279 with asparagine.
Molecular consequence: missense variant.
Genome position (GRCh38, 1-based): chr12:88,129,711, C>T on the plus strand (G>A on the coding strand, the complement: CEP290 is on the minus strand). VCF-style: chr12-88129711-C-T. GRCh37 (hg19) VCF-style: chr12-88523488-C-T.
Other names: p.Asp279Asn; c.835G>A (NM_025114.3); short protein forms D279N.
Identifiers: ClinVar variation 991684 (VCV000991684.8), dbSNP rs796540607, ClinGen allele CA241157401.

ClinVar aggregate classification (germline): Uncertain significance. Review status: criteria provided, multiple submitters, no conflicts (2 of 4 stars). 4 submissions from 4 submitters: Uncertain significance (3). 1 of the submissions does not count toward it. Last evaluated 2026-06-04.

Conditions:
CEP290-related disorder. Also called: CEP290-related condition; CEP290-related disorders. Identifiers: MedGen CN239314.
Leber congenital amaurosis (LCA). Also called: Leber's amaurosis. Identifiers: Orphanet 65, MedGen C0339527, MeSH D057130, MONDO:0018998.
Nephronophthisis. Also called: Juvenile Nephronophthisis. Identifiers: Orphanet 655, MedGen C0687120, MONDO:0019005, HP:0000090.
Meckel-Gruber syndrome. Also called: GRUBER SYNDROME; Dysencephalia splachnocystica; DYSENCEPHALIA SPLANCHNOCYSTICA. Identifiers: Orphanet 564, MedGen C0265215, MONDO:0018921.
Joubert syndrome. Also called: Familial aplasia of the vermis; JOUBERT-BOLTSHAUSER SYNDROME. Identifiers: Orphanet 475, MedGen C5979921, MONDO:0018772.

Allele frequency attached by ClinVar (database versions not stated): gnomAD exomes 0.00001; gnomAD 0.00002; TOPMed 0.00008.
gnomAD v4.1: 10 of 1,437,084 alleles (0.0007%); highest among the groups gnomAD compares: African/African-American, 0.0044%; no homozygotes.

Submissions (4):

PreventionGenetics, part of Exact Sciences
Classification: Uncertain significance for CEP290-related condition. Last evaluated: 2026-06-04. Review status: criteria provided, single submitter. Criteria: ACMG Guidelines, 2015. Collection method: clinical testing. Allele origin: germline.
Comment: The CEP290 c.835G>A variant is predicted to result in the amino acid substitution p.Asp279Asn. To our knowledge, this variant has not been reported in the literature. This variant is reported in 0.0061% of alleles in individuals of South Asian descent in gnomAD. At this time, the clinical significance of this variant is uncertain due to the absence of conclusive functional and genetic evidence.

Mayo Clinic Laboratories, Mayo Clinic
Classification: Uncertain significance. Last evaluated: 2025-04-07. Review status: criteria provided, single submitter. Criteria: ACMG Guidelines, 2015. Collection method: clinical testing. Allele origin: germline. Observed: 1 variant allele.
Comment: BP4_moderate, PM2_supporting

Labcorp Genetics (formerly Invitae), Labcorp
Classification: Uncertain significance for Joubert syndrome; Meckel-Gruber syndrome; Nephronophthisis. Last evaluated: 2021-09-01. Review status: criteria provided, single submitter. Criteria: Invitae Variant Classification Sherloc (09022015). Collection method: clinical testing. Allele origin: germline.
Comment: This sequence change replaces aspartic acid with asparagine at codon 279 of the CEP290 protein (p.Asp279Asn). The aspartic acid residue is weakly conserved and there is a small physicochemical difference between aspartic acid and asparagine. This variant is not present in population databases (ExAC no frequency). This variant has not been reported in the literature in individuals affected with CEP290-related conditions. Algorithms developed to predict the effect of missense changes on protein structure and function (SIFT, PolyPhen-2, Align-GVGD) all suggest that this variant is likely to be tolerated. In summary, the available evidence is currently insufficient to determine the role of this variant in disease. Therefore, it has been classified as a Variant of Uncertain Significance.

Natera, Inc.
Classification: Uncertain significance for Leber congenital amaurosis. Last evaluated: 2020-04-17. Review status: no assertion criteria provided. Collection method: clinical testing. Allele origin: germline. Not counted in ClinVar's aggregate classification.